The following is an entry in ClinVar:

ClinVar aggregate classification (germline): Uncertain significance (1 of 4 stars; one submission).

gnomAD v4.1: 26 of 1,613,644 alleles (0.0016%); highest among the groups gnomAD compares: Non-Finnish European, 0.002%; no homozygotes.

Submission:

Labcorp Genetics (formerly Invitae), Labcorp
Classification: Uncertain significance. Last evaluated: 2025-01-08. Review status: criteria provided, single submitter. Criteria: Invitae Variant Classification Sherloc (09022015). Collection method: clinical testing. Allele origin: germline.
Comment: This sequence change falls in intron 3 of the MYH3 gene. It does not directly change the encoded amino acid sequence of the MYH3 protein. It affects a nucleotide within the consensus splice site. This variant is present in population databases (rs765113020, gnomAD 0.004%). This variant has not been reported in the literature in individuals affected with MYH3-related conditions. Variants that disrupt the consensus splice site are a relatively common cause of aberrant splicing (PMID: 17576681, 9536098). Algorithms developed to predict the effect of sequence changes on RNA splicing suggest that this variant is not likely to affect RNA splicing. In summary, the available evidence is currently insufficient to determine the role of this variant in disease. Therefore, it has been classified as a Variant of Uncertain Significance.

Literature cited by the submitters: PubMed 17576681; PubMed 9536098.

NM_002470.4(MYH3):c.204+6G>T

Gene: MYH3 (myosin heavy chain 3; minus strand). Cytogenetic location: 17p13.1.
Variant type: single nucleotide variant.
Coding change: c.204+6G>T on transcript NM_002470.4 (MANE Select); 6 bases into the intron after coding-DNA position 204, G replaced by T.
Molecular consequence: intron variant.
Genome position (GRCh38, 1-based): chr17:10,654,855, C>A on the plus strand (G>T on the coding strand, the complement: MYH3 is on the minus strand). VCF-style: chr17-10654855-C-A. GRCh37 (hg19) VCF-style: chr17-10558172-C-A.
Identifiers: ClinVar variation 3629443 (VCV003629443.2).
Genomic context (GRCh38, chr17:10,654,855, plus strand): 5'-CATACCCCAGGCAAGCACAAGGACCAGGTGGAGGGCCAGCAGCCTGTGGAGGGTACAGAG[C>A]CTTACCCTGTTGTCCTCAGTTTCCACAGTGACCTTCCCATCCTGAGAACTCTTGATTTTC-3'